The following is an entry in ClinVar:

NM_012210.4(TRIM32):c.377C>T (p.Ala126Val)

Genes: ASTN2 (astrotactin 2; minus strand), TRIM32 (tripartite motif containing 32; plus strand). Cytogenetic location: 9q33.1.
Variant type: single nucleotide variant.
Coding change: c.377C>T on transcript NM_012210.4 (MANE Select); coding-DNA position 377, C replaced by T.
Protein change: p.Ala126Val; replaces alanine 126 with valine.
Molecular consequence: missense variant. On other transcripts: intron variant (3).
Genome position (GRCh38, 1-based): chr9:116,698,119, C>T. VCF-style: chr9-116698119-C-T. GRCh37 (hg19) VCF-style: chr9-119460398-C-T.
Other names: c.377C>T, p.Ala126Val (NM_001099679.2, NM_001379048.1, NM_001379049.1 and 1 more transcripts); c.2653+27652G>A (NM_014010.5); c.2794+27652G>A (NM_001365069.1); c.2806+27652G>A (NM_001365068.1); short protein forms A126V.
Identifiers: ClinVar variation 650525 (VCV000650525.8), dbSNP rs755478136, ClinGen allele CA5210960.

ClinVar aggregate classification (germline): Uncertain significance. Review status: criteria provided, multiple submitters, no conflicts (2 of 4 stars). 3 submissions from 3 submitters: Uncertain significance (2). 1 of the submissions does not count toward it. Last evaluated 2022-10-13.

Conditions:
TRIM32-related disorder. Also called: TRIM32-related condition.
Bardet-Biedl syndrome 11 (BBS11). Identifiers: Orphanet 110, MedGen C1859569, MONDO:0014439, OMIM 615988.
Sarcotubular myopathy (LGMDR8). Also called: Autosomal recessive limb-girdle muscular dystrophy type 2H; MUSCULAR DYSTROPHY, LIMB-GIRDLE, AUTOSOMAL RECESSIVE 8; Limb-girdle muscular dystrophy, type 2H; Hutterite type of muscular dystrophy. Identifiers: Orphanet 1878, MedGen C0270968, MONDO:0009683, OMIM 254110.
Bardet-Biedl syndrome (BBS). Identifiers: Orphanet 110, MedGen C0752166, MONDO:0015229.

Allele frequency attached by ClinVar (database versions not stated): TOPMed 0.00001; ExAC 0.00001; gnomAD 0.00001; gnomAD exomes 0.00001 and 0.00003.
gnomAD v4.1: 42 of 1,614,004 alleles (0.0026%); highest among the groups gnomAD compares: Non-Finnish European, 0.0033%; 1 homozygote.

Submissions (3):

Labcorp Genetics (formerly Invitae), Labcorp
Classification: Uncertain significance for Bardet-Biedl syndrome. Last evaluated: 2022-10-13. Review status: criteria provided, single submitter. Criteria: Invitae Variant Classification Sherloc (09022015). Collection method: clinical testing. Allele origin: germline.
Comment: This sequence change replaces alanine, which is neutral and non-polar, with valine, which is neutral and non-polar, at codon 126 of the TRIM32 protein (p.Ala126Val). This variant is present in population databases (rs755478136, gnomAD 0.002%). This variant has not been reported in the literature in individuals affected with TRIM32-related conditions. ClinVar contains an entry for this variant (Variation ID: 650525). Algorithms developed to predict the effect of missense changes on protein structure and function (SIFT, PolyPhen-2, Align-GVGD) all suggest that this variant is likely to be tolerated. In summary, the available evidence is currently insufficient to determine the role of this variant in disease. Therefore, it has been classified as a Variant of Uncertain Significance.

Fulgent Genetics
Classification: Uncertain significance for Sarcotubular myopathy; Bardet-Biedl syndrome 11. Last evaluated: 2021-08-11. Review status: criteria provided, single submitter. Criteria: ACMG Guidelines, 2015. Collection method: clinical testing. Allele origin: unknown.

PreventionGenetics, part of Exact Sciences
Classification: Uncertain significance for TRIM32-related condition. Last evaluated: 2024-09-18. Review status: no assertion criteria provided. Collection method: clinical testing. Allele origin: germline. Not counted in ClinVar's aggregate classification.
Comment: The TRIM32 c.377C>T variant is predicted to result in the amino acid substitution p.Ala126Val. To our knowledge, this variant has not been reported in the literature. This variant is reported in 0.0027% of alleles in individuals of European (Non-Finnish) descent in gnomAD. At this time, the clinical significance of this variant is uncertain due to the absence of conclusive functional and genetic evidence.